The following is an entry in ClinVar:

ClinVar aggregate classification (germline): Uncertain significance (1 of 4 stars; one submission).

Conditions:
Hereditary cancer-predisposing syndrome. Also called: Tumor predisposition; Neoplastic Syndromes, Hereditary; Hereditary neoplastic syndrome; Hereditary Cancer Syndrome. Identifiers: Orphanet 140162, MedGen C0027672, MeSH D009386, MONDO:0015356.

Submission:

Ambry Genetics
Classification: Uncertain significance for Hereditary cancer-predisposing syndrome. Last evaluated: 2024-10-25. Review status: criteria provided, single submitter. Criteria: Ambry Variant Classification Scheme 2023. Collection method: clinical testing. Allele origin: germline.
Comment: The c.369+3A>T intronic variant results from an A to T substitution 3 nucleotides after coding exon 5 in the SMARCE1 gene. This nucleotide position is highly conserved in available vertebrate species. In silico splice site analysis predicts that this alteration will result in the creation or strengthening of a novel splice donor site. Based on the available evidence, the clinical significance of this variant remains unclear.

NM_003079.5(SMARCE1):c.369+3A>T

Gene: SMARCE1 (SWI/SNF related BAF chromatin remodeling complex subunit E1; minus strand). Cytogenetic location: 17q21.2.
Variant type: single nucleotide variant.
Coding change: c.369+3A>T on transcript NM_003079.5 (MANE Select); 3 bases into the intron after coding-DNA position 369, A replaced by T.
Molecular consequence: intron variant.
Genome position (GRCh38, 1-based): chr17:40,636,392, T>A on the plus strand (A>T on the coding strand, the complement: SMARCE1 is on the minus strand). VCF-style: chr17-40636392-T-A. GRCh37 (hg19) VCF-style: chr17-38792644-T-A.
Identifiers: ClinVar variation 3446135 (VCV003446135.1).
Genomic context (GRCh38, chr17:40,636,392, plus strand): 5'-ATAGTAAGCCAATGTTTTATGTACTTTACACATTATCTATCCCACTGTGAGCCCCTACCC[T>A]ACCTTTTCTGCTTCGTATTCGTTTAAATATTCTTGTTTTTCTTCATCAGTGAGATCTCGC-3'